The following is an entry in ClinVar:

ClinVar aggregate classification (germline): Uncertain significance (1 of 4 stars; one submission).

Conditions:
Nephronophthisis 18 (NPHP18). Identifiers: Orphanet 655, MedGen C3890591, MONDO:0014374, OMIM 615862.

Submission:

Labcorp Genetics (formerly Invitae), Labcorp
Classification: Uncertain significance for Nephronophthisis 18. Last evaluated: 2022-07-18. Review status: criteria provided, single submitter. Criteria: Invitae Variant Classification Sherloc (09022015). Collection method: clinical testing. Allele origin: germline.
Comment: This sequence change replaces histidine, which is basic and polar, with arginine, which is basic and polar, at codon 155 of the CEP83 protein (p.His155Arg). This variant is not present in population databases (gnomAD no frequency). This variant has not been reported in the literature in individuals affected with CEP83-related conditions. In summary, the available evidence is currently insufficient to determine the role of this variant in disease. Therefore, it has been classified as a Variant of Uncertain Significance. Algorithms developed to predict the effect of missense changes on protein structure and function are either unavailable or do not agree on the potential impact of this missense change (SIFT: "Not Available"; PolyPhen-2: "Possibly Damaging"; Align-GVGD: "Not Available"). ClinVar contains an entry for this variant (Variation ID: 1392962).

NM_016122.3(CEP83):c.464A>G (p.His155Arg)

Gene: CEP83 (centrosomal protein 83; minus strand). Cytogenetic location: 12q22.
Variant type: single nucleotide variant.
Coding change: c.464A>G on transcript NM_016122.3 (MANE Select); coding-DNA position 464, A replaced by G.
Protein change: p.His155Arg; replaces histidine 155 with arginine.
Molecular consequence: missense variant. On other transcripts: non-coding transcript variant (3), intron variant (2).
Genome position (GRCh38, 1-based): chr12:94,400,935, T>C on the plus strand (A>G on the coding strand, the complement: CEP83 is on the minus strand). VCF-style: chr12-94400935-T-C. GRCh37 (hg19) VCF-style: chr12-94794711-T-C.
Other names: c.464A>G, p.His155Arg (NM_001042399.2, NM_001346457.2, NM_001346460.2 and 3 more transcripts); c.152A>G, p.His51Arg (NM_001346458.2, NM_001346459.2, NM_001346462.2 and 2 more transcripts); c.324+10762A>G (NM_001368041.1); c.12+10762A>G (NM_001368042.1); short protein forms H155R, H51R.
Identifiers: ClinVar variation 1392962 (VCV001392962.6), dbSNP rs2137576540, ClinGen allele CA386143134.
Genomic context (GRCh38, chr12:94,400,935, plus strand): 5'-TCATCTAAAATACGTGCATACTCTTCCTTCTGGTGTTCAAATTCTGACTTGAGAAATGTA[T>C]GTTCATAGCGAAGCTTATTATATACAGCTCTATACTTTTCTACCTCCTAAAGGGAGAATG-3'
Protein context (NP_057206.2, residues 145-165): RAVYNKLRYE[His155Arg]TFLKSEFEHQ